The following is an entry in ClinVar:

ClinVar aggregate classification (germline): Conflicting classifications of pathogenicity. Review status: criteria provided, conflicting classifications (1 of 4 stars). 2 submissions from 2 submitters: Uncertain significance (1); Likely benign (1). Last evaluated 2024-12-08.

Conditions:
Hereditary breast ovarian cancer syndrome. Also called: Hereditary breast and ovarian cancer; Hereditary breast and ovarian cancer syndrome (HBOC); BRCA1- and BRCA2-Associated Hereditary Breast and Ovarian Cancer; Hereditary breast and ovarian cancer syndrome; Hereditary breast and/or ovarian cancer syndrome; Breast and ovarian cancer. Identifiers: Orphanet 145, MedGen C0677776, MeSH D061325, MONDO:0003582. Disease mechanism: loss of function.
Hereditary cancer-predisposing syndrome. Also called: Hereditary Cancer Syndrome; Tumor predisposition; Hereditary neoplastic syndrome; Neoplastic Syndromes, Hereditary. Identifiers: Orphanet 140162, MedGen C0027672, MeSH D009386, MONDO:0015356.

Submissions (2):

Labcorp Genetics (formerly Invitae), Labcorp
Classification: Uncertain significance for Hereditary breast ovarian cancer syndrome. Last evaluated: 2024-12-08. Review status: criteria provided, single submitter. Criteria: Invitae Variant Classification Sherloc (09022015). Collection method: clinical testing. Allele origin: germline.
Comment: This sequence change replaces proline, which is neutral and non-polar, with threonine, which is neutral and polar, at codon 1819 of the BRCA2 protein (p.Pro1819Thr). This variant is present in population databases (rs80358768, gnomAD 0.0009%). This variant has not been reported in the literature in individuals affected with BRCA2-related conditions. Invitae Evidence Modeling of protein sequence and biophysical properties (such as structural, functional, and spatial information, amino acid conservation, physicochemical variation, residue mobility, and thermodynamic stability) indicates that this missense variant is not expected to disrupt BRCA2 protein function with a negative predictive value of 95%. In summary, the available evidence is currently insufficient to determine the role of this variant in disease. Therefore, it has been classified as a Variant of Uncertain Significance.

Ambry Genetics
Classification: Likely benign for Hereditary cancer-predisposing syndrome. Last evaluated: 2024-05-23. Review status: criteria provided, single submitter. Criteria: Ambry Variant Classification Scheme 2023. Collection method: clinical testing. Allele origin: germline.

NM_000059.4(BRCA2):c.5455C>A (p.Pro1819Thr)

Gene: BRCA2 (BRCA2 DNA repair associated; plus strand). Cytogenetic location: 13q13.1.
Variant type: single nucleotide variant.
Coding change: c.5455C>A on transcript NM_000059.4 (MANE Select); coding-DNA position 5455, C replaced by A.
Protein change: p.Pro1819Thr; replaces proline 1819 with threonine.
Molecular consequence: missense variant. On other transcripts: non-coding transcript variant (1), intron variant (2).
Genome position (GRCh38, 1-based): chr13:32,339,810, C>A. VCF-style: chr13-32339810-C-A. GRCh37 (hg19) VCF-style: chr13-32913947-C-A.
Other names: c.5455C>A, p.Pro1819Thr (NM_001406719.1, NM_001406720.1); c.1910-4748C>A (NM_001406721.1); c.425-4748C>A (NM_001406722.1); short protein forms P1819T.
Identifiers: ClinVar variation 3261508 (VCV003261508.3).
Genomic context (GRCh38, chr13:32,339,810, plus strand): 5'-GCATACCCACAAACTGTAAATGAAGATATTTGCGTTGAGGAACTTGTGACTAGCTCTTCA[C>A]CCTGCAAAAATAAAAATGCAGCCATTAAATTGTCCATATCTAATAGTAATAATTTTGAGG-3'
Protein context (NP_000050.3, residues 1809-1829): CVEELVTSSS[Pro1819Thr]CKNKNAAIKL